The following is an entry in ClinVar:

ClinVar aggregate classification (germline): Uncertain significance. Review status: criteria provided, multiple submitters, no conflicts (2 of 4 stars). 5 submissions from 5 submitters: Uncertain significance (4). 1 of the submissions does not count toward it. Last evaluated 2026-01-28.

Conditions:
Mosaic variegated aneuploidy syndrome 1 (MVA1). Also called: Warburton-Anyane-Yeboa syndrome. Identifiers: Orphanet 1052, MedGen C1850343, MONDO:0009759, OMIM 257300.
Premature chromatid separation trait (PCS). Also called: TOTAL PREMATURE CHROMATID SEPARATION TRAIT. Identifiers: MedGen C1864389, MONDO:0008304, OMIM 176430.
Colorectal cancer. Also called: Colorectal cancer, somatic; Malignant Colorectal Neoplasm. Identifiers: MedGen C0346629, MONDO:0005575, OMIM 114500.
Inborn genetic diseases. Identifiers: MedGen C0950123, MeSH D030342.

Allele frequency attached by ClinVar (database versions not stated): ExAC 0.00001; gnomAD 0.00001; gnomAD exomes 0.00001 and 0.00002; TOPMed 0.00001; ESP Exome Variant Server 0.00008.
gnomAD v4.1: 44 of 1,613,916 alleles (0.0027%); highest among the groups gnomAD compares: Middle Eastern, 0.066%; no homozygotes.

Submissions (5):

Labcorp Genetics (formerly Invitae), Labcorp
Classification: Uncertain significance for Mosaic variegated aneuploidy syndrome 1. Last evaluated: 2026-01-28. Review status: criteria provided, single submitter. Criteria: Invitae Variant Classification Sherloc (09022015). Collection method: clinical testing. Allele origin: germline.
Comment: This sequence change replaces lysine, which is basic and polar, with asparagine, which is neutral and polar, at codon 488 of the BUB1B protein (p.Lys488Asn). This variant is present in population databases (rs368023159, gnomAD 0.0009%). This variant has not been reported in the literature in individuals affected with BUB1B-related conditions. ClinVar contains an entry for this variant (Variation ID: 133766). An algorithm developed to predict the effect of missense changes on protein structure and function (PolyPhen-2) suggests that this variant is likely to be tolerated. In summary, the available evidence is currently insufficient to determine the role of this variant in disease. Therefore, it has been classified as a Variant of Uncertain Significance.

St. Jude Molecular Pathology, St. Jude Children's Research Hospital
Classification: Uncertain significance for Mosaic variegated aneuploidy syndrome 1. Last evaluated: 2024-07-09. Review status: criteria provided, single submitter. Criteria: St. Jude Assertion Criteria 2020. Collection method: clinical testing. Allele origin: germline.
Comment: The BUB1B c.1464A>T (p.Lys488Asn) missense change has a maximum subpopulation frequency of 0.0009% in gnomAD v2.1.1. The in silico tool REVEL predicts a benign effect on protein function, but to our knowledge this prediction has not been confirmed by functional studies. To our knowledge, this variant has not been reported in individuals with mosaic variegated aneuploidy syndrome. In summary, the evidence currently available is insufficient to determine the role of this variant in mosaic variegated aneuploidy syndrome. It has therefore been classified as of uncertain significance.

Fulgent Genetics
Classification: Uncertain significance for Colorectal cancer; Premature chromatid separation trait; Mosaic variegated aneuploidy syndrome 1. Last evaluated: 2024-04-25. Review status: criteria provided, single submitter. Criteria: ACMG Guidelines, 2015. Collection method: clinical testing. Allele origin: germline.

Ambry Genetics
Classification: Uncertain significance for Inborn genetic diseases. Last evaluated: 2024-02-27. Review status: criteria provided, single submitter. Criteria: Ambry Variant Classification Scheme 2023. Collection method: clinical testing. Allele origin: germline.

ITMI
No classification provided. Condition: AllHighlyPenetrant. Last evaluated: 2013-09-19. Review status: no classification provided. Collection method: reference population. Allele origin: germline. Not counted in ClinVar's aggregate classification.
Comment: Please see associated publication for description of ethnicities

Literature cited by the submitters: PubMed 24728327 (cited by ITMI).

NM_001211.6(BUB1B):c.1464A>T (p.Lys488Asn)

Gene: BUB1B (BUB1 mitotic checkpoint serine/threonine kinase B; plus strand). Cytogenetic location: 15q15.1.
Variant type: single nucleotide variant.
Coding change: c.1464A>T on transcript NM_001211.6 (MANE Select); coding-DNA position 1464, A replaced by T.
Protein change: p.Lys488Asn; replaces lysine 488 with asparagine.
Molecular consequence: missense variant.
Genome position (GRCh38, 1-based): chr15:40,200,306, A>T. VCF-style: chr15-40200306-A-T. GRCh37 (hg19) VCF-style: chr15-40492507-A-T.
Other names: c.1464A>T (NM_001211.5); short protein forms K488N.
Identifiers: ClinVar variation 133766 (VCV000133766.12), dbSNP rs368023159, ClinGen allele CA157747.